The following is an entry in ClinVar:

ClinVar aggregate classification (germline): Uncertain significance (1 of 4 stars; one submission).

Conditions:
DSPP-related disorder. Also called: DSPP-related condition.

Submission:

PreventionGenetics, part of Exact Sciences
Classification: Uncertain significance for DSPP-related condition. Last evaluated: 2025-11-14. Review status: criteria provided, single submitter. Criteria: ACMG Guidelines, 2015. Collection method: clinical testing. Allele origin: germline.
Comment: The DSPP c.28T>C variant is predicted to result in the amino acid substitution p.Trp10Arg. To our knowledge, this variant has not been reported in the literature or in a large population database (gnomAD), indicating this variant is rare. At this time, the clinical significance of this variant is uncertain due to the absence of conclusive functional and genetic evidence.

NM_014208.3(DSPP):c.28T>C (p.Trp10Arg)

Genes: DMP1-AS1 (DMP1 and DSPP antisense RNA 1; minus strand), DSPP (dentin sialophosphoprotein; plus strand). Cytogenetic location: 4q22.1.
Variant type: single nucleotide variant.
Coding change: c.28T>C on transcript NM_014208.3 (MANE Select); coding-DNA position 28, T replaced by C.
Protein change: p.Trp10Arg; replaces tryptophan 10 with arginine.
Molecular consequence: missense variant.
Genome position (GRCh38, 1-based): chr4:87,610,936, T>C. VCF-style: chr4-87610936-T-C. GRCh37 (hg19) VCF-style: chr4-88532088-T-C.
Other names: short protein forms W10R.
Identifiers: ClinVar variation 4995131 (VCV004995131.1).
Genomic context (GRCh38, chr4:87,610,936, plus strand): 5'-TACAGCCATTGATTATTATTATTCCTAAAGAAAATGAAGATAATTACATATTTTTGCATT[T>C]GGGCAGTAGCATGGGCCATTCCAGTAAGTATGCCTTTCTTAGAAAACCTCTTCACTTTGT-3'
Protein context (NP_055023.2, residues 1-20): MKIITYFCI[Trp10Arg]AVAWAIPVPQ